The following is an entry in ClinVar:

ClinVar aggregate classification (germline): Pathogenic (1 of 4 stars; one submission).

Submission:

Labcorp Genetics (formerly Invitae), Labcorp
Classification: Pathogenic. Last evaluated: 2022-08-03. Review status: criteria provided, single submitter. Criteria: Invitae Variant Classification Sherloc (09022015). Collection method: clinical testing. Allele origin: germline.
Comment: For these reasons, this variant has been classified as Pathogenic. Advanced modeling of protein sequence and biophysical properties (such as structural, functional, and spatial information, amino acid conservation, physicochemical variation, residue mobility, and thermodynamic stability) performed at Invitae indicates that this missense variant is expected to disrupt COL11A1 protein function. This missense change has been observed in individual(s) with clinical features of Stickler syndrome (Invitae). In at least one individual the variant was observed to be de novo. This variant is not present in population databases (gnomAD no frequency). This sequence change replaces glycine, which is neutral and non-polar, with glutamic acid, which is acidic and polar, at codon 775 of the COL11A1 protein (p.Gly775Glu).

NM_001854.4(COL11A1):c.2324G>A (p.Gly775Glu)

Gene: COL11A1 (collagen type XI alpha 1 chain; minus strand). Cytogenetic location: 1p21.1.
Variant type: single nucleotide variant.
Coding change: c.2324G>A on transcript NM_001854.4 (MANE Select); coding-DNA position 2324, G replaced by A.
Protein change: p.Gly775Glu; replaces glycine 775 with glutamic acid.
Molecular consequence: missense variant. On other transcripts: non-coding transcript variant (1).
Genome position (GRCh38, 1-based): chr1:102,995,880, C>T on the plus strand (G>A on the coding strand, the complement: COL11A1 is on the minus strand). VCF-style: chr1-102995880-C-T. GRCh37 (hg19) VCF-style: chr1-103461436-C-T.
Other names: c.1976G>A, p.Gly659Glu (NM_001168249.1, NM_080630.4); c.2207G>A, p.Gly736Glu (NM_001190709.2); c.2360G>A, p.Gly787Glu (NM_080629.3); short protein forms G736E, G775E, G787E, G659E.
Identifiers: ClinVar variation 2014555 (VCV002014555.4), dbSNP rs2525286094, ClinGen allele CA341168617.